The following is an entry in ClinVar:

ClinVar aggregate classification (germline): Uncertain significance (1 of 4 stars; one submission).

Conditions:
Familial thoracic aortic aneurysm and aortic dissection (TAAD). Also called: Thoracic aortic aneurysms and dissections. Identifiers: Orphanet 91387, MedGen C4707243, MONDO:0019625.

Submission:

Color Diagnostics, LLC DBA Color Health
Classification: Uncertain significance for Familial thoracic aortic aneurysm and aortic dissection. Last evaluated: 2023-06-20. Review status: criteria provided, single submitter. Criteria: ACMG Guidelines, 2015. Collection method: clinical testing. Allele origin: germline.
Comment: This variant causes a C to A nucleotide substitution at the +4 position of intron 20 of the COL3A1 gene. To our knowledge, functional studies have not been reported for this variant. This variant has not been reported in individuals affected with COL3A1-related disorders in the literature. This variant has not been identified in the general population by the Genome Aggregation Database (gnomAD). The available evidence is insufficient to determine the role of this variant in disease conclusively. Therefore, this variant is classified as a Variant of Uncertain Significance.

NM_000090.4(COL3A1):c.1455+4C>A

Gene: COL3A1 (collagen type III alpha 1 chain; plus strand). Cytogenetic location: 2q32.2.
Variant type: single nucleotide variant.
Coding change: c.1455+4C>A on transcript NM_000090.4 (MANE Select); 4 bases into the intron after coding-DNA position 1455, C replaced by A.
Molecular consequence: intron variant.
Genome position (GRCh38, 1-based): chr2:188,994,835, C>A. VCF-style: chr2-188994835-C-A. GRCh37 (hg19) VCF-style: chr2-189859561-C-A.
Identifiers: ClinVar variation 2775105 (VCV002775105.2), dbSNP rs1422454033, ClinGen allele CA2697551432.
Genomic context (GRCh38, chr2:188,994,835, plus strand): 5'-GATGGATCACCTGGAGAACCTGGTGCAAATGGGCTTCCAGGAGCTGCAGGAGAAAGGGTA[C>A]GTTTTCCATGGGGCATCTAAAAGAAAAGCAGCATCACTGTCATCTAAATAAAACTACCTT-3'